The following is an entry in ClinVar:

NM_016203.4(PRKAG2):c.1026G>C (p.Glu342Asp)

Gene: PRKAG2 (protein kinase AMP-activated non-catalytic subunit gamma 2; minus strand). Cytogenetic location: 7q36.1.
Variant type: single nucleotide variant.
Coding change: c.1026G>C on transcript NM_016203.4 (MANE Select); coding-DNA position 1026, G replaced by C.
Protein change: p.Glu342Asp; replaces glutamic acid 342 with aspartic acid.
Molecular consequence: missense variant.
Genome position (GRCh38, 1-based): chr7:151,572,689, C>G on the plus strand (G>C on the coding strand, the complement: PRKAG2 is on the minus strand). VCF-style: chr7-151572689-C-G. GRCh37 (hg19) VCF-style: chr7-151269775-C-G.
Other names: c.894G>C, p.Glu298Asp (NM_001040633.2, NM_001407024.1); c.651G>C, p.Glu217Asp (NM_001304527.2, NM_001407029.1); c.303G>C, p.Glu101Asp (NM_001304531.2, NM_001407034.1, NM_001407035.1 and 1 more transcripts); c.654G>C, p.Glu218Asp (NM_001363698.2, NM_001407028.1); c.1026G>C, p.Glu342Asp (NM_001407021.1); c.1023G>C, p.Glu341Asp (NM_001407022.1, NM_001407023.1); c.891G>C, p.Glu297Asp (NM_001407026.1, NM_001407027.1); c.738G>C, p.Glu246Asp (NM_001407030.1); and 6 more; short protein forms E100D, E101D, E117D, E121D, E217D, E218D, E234D, E236D.
Identifiers: ClinVar variation 3384174 (VCV003384174.3).

ClinVar aggregate classification (germline): Pathogenic (1 of 4 stars; one submission).

Conditions:
PRKAG2 syndrome. Identifiers: MedGen C6063050.

Submission:

Department of Cardiovascular Medicine, The University of Tokyo, Graduate School of Medicine
Classification: Pathogenic for PRKAG2 syndrome. Last evaluated: 2024-09-27. Review status: criteria provided, single submitter. Criteria: ACMG Guidelines, 2015. Collection method: research. Allele origin: de novo, not applicable. Inheritance: Autosomal dominant inheritance. Affected: yes. Observed: 1 heterozygote. Functional consequence: loss_of_function_variant. Segregation with disease not observed.
Comment: PRKAG2 encodes the γ2 regulatory subunit of AMP-activated protein kinase (AMPK), a key regulator of ATP metabolism. Pathogenic missense variants in PRKAG2 lead to excessive glycogen accumulation in cardiomyocytes, culminating in cardiac hypertrophy, a condition known as PRKAG2 syndrome. Family analysis confirmed the variant as a de novo occurrence (PS2). It was absent in the East Asian populations of gnomAD and ToMMo 54k (PM2_Supporting). The residue Glu342 is located in a highly conserved linker domain but is distant from the adenosine nucleotide-binding pocket. In silico prediction tools largely indicated no pathogenicity (SIFT: 0.236; PolyPhen-2: 0.162; CADD: 21.6; REVEL: 0.557), with the exception of AlphaMissense (0.996). Histological analysis of the patient’s cardiac tissue revealed marked glycogen accumulation in cardiomyocytes, a highly specific feature of PRKAG2 syndrome (PP4). Additionally, immunoblot analysis using fresh-frozen cardiac tissue showed decreased phosphorylation of AMPK (PS3). Based on the guidelines of the American College of Medical Genetics and Genomics and the latest ClinGen recommendations (PMID:25741868), the variant was classified as pathogenic.